The following is an entry in ClinVar:

ClinVar aggregate classification (germline): Likely benign (1 of 4 stars; one submission).

Allele frequency attached by ClinVar (database versions not stated): 1000 Genomes Project 0.00479; 1000 Genomes Project 30x 0.00484; gnomAD 0.00561 and 0.00607; TOPMed 0.00618.
gnomAD v4.1: 847 of 152,182 alleles (0.56%); highest among the groups gnomAD compares: African/African-American, 1.9%; 14 homozygotes.

Submission:

GeneDx
Classification: Likely benign. Last evaluated: 2018-06-19. Review status: criteria provided, single submitter. Criteria: GeneDx Variant Classification (06012015). Collection method: clinical testing. Allele origin: germline. Affected: yes.
Comment: This variant is considered likely benign or benign based on one or more of the following criteria: it is a conservative change, it occurs at a poorly conserved position in the protein, it is predicted to be benign by multiple in silico algorithms, and/or has population frequency not consistent with disease.

NM_182961.4(SYNE1):c.12079-228C>T

Gene: SYNE1 (spectrin repeat containing nuclear envelope protein 1; minus strand). Cytogenetic location: 6q25.2.
Variant type: single nucleotide variant.
Coding change: c.12079-228C>T on transcript NM_182961.4 (MANE Select); 228 bases into the intron before coding-DNA position 12079, C replaced by T.
Molecular consequence: intron variant.
Genome position (GRCh38, 1-based): chr6:152,344,455, G>A on the plus strand (C>T on the coding strand, the complement: SYNE1 is on the minus strand). VCF-style: chr6-152344455-G-A. GRCh37 (hg19) VCF-style: chr6-152665590-G-A.
Other names: c.11866-228C>T (NM_033071.5).
Identifiers: ClinVar variation 679480 (VCV000679480.1), dbSNP rs113814108, ClinGen allele CA150192758.